The following is an entry in ClinVar:

NM_000138.5(FBN1):c.2712del (p.Gly905fs)

Gene: FBN1 (fibrillin 1; minus strand). Cytogenetic location: 15q21.1.
Variant type: Deletion.
Coding change: c.2712del on transcript NM_000138.5 (MANE Select); coding-DNA position 2712, one base deleted (A; older notation c.2712delA).
Protein change: p.Gly905fs; shifts the reading frame from glycine 905.
Molecular consequence: frameshift variant.
Genome position (GRCh38, 1-based): chr15:48,494,220, T deleted on the plus strand (A on the coding strand, the reverse complement: FBN1 is on the minus strand); the first of 3 consecutive T bases (chr15:48,494,220-48,494,222); deleting any one gives the same sequence. VCF-style (leftmost placement, unchanged base first): chr15-48494219-CT-C. GRCh37 (hg19) VCF-style: chr15-48786416-CT-C.
Other names: c.2712delA (NM_000138.4); short protein forms G905fs.
Identifiers: ClinVar variation 419548 (VCV000419548.2), dbSNP rs1064793946, ClinGen allele CA16619965.

ClinVar aggregate classification (germline): Pathogenic (1 of 4 stars; one submission).

Submission:

GeneDx
Classification: Pathogenic. Last evaluated: 2015-07-23. Review status: criteria provided, single submitter. Criteria: GeneDx Variant Classification (06012015). Collection method: clinical testing. Allele origin: germline. Affected: yes.
Comment: The c.2712delA deletion in the FBN1 gene has been previously reported as pathogenic in one individual withMarfan syndrome in the Universal Mutation Database (BÃ©roud et al., 2000). This deletion causes a shift inreading frame starting at codon Glycine 905, changing it to a Glutamic acid, and creating a premature stopcodon at position 7 of the new reading frame, denoted p.Gly905GlufsX7. This variant is expected to resultin either an abnormal, truncated protein product or loss of protein from this allele through nonsense-mediatedmRNA decay. Multiple other frameshift variants in the FBN1 gene have been reported in HGMD inassociation with Marfan syndrome (Stenson P et al., 2014). Furthermore, the c.2712delA deletion was notobserved in approximately 6,500 individuals of European and African American ancestry in the NHLBI ExomeSequencing Project, indicating it is not a common benign variant in these populations. In summary, c.2712delA in the FBN1 gene is interpreted as a pathogenic variant.